The following is an entry in ClinVar:

NM_003743.5(NCOA1):c.2285C>G (p.Ser762Ter)

Gene: NCOA1 (nuclear receptor coactivator 1; plus strand). Cytogenetic location: 2p23.3.
Variant type: single nucleotide variant.
Coding change: c.2285C>G on transcript NM_003743.5 (MANE Select); coding-DNA position 2285, C replaced by G.
Protein change: p.Ser762Ter; replaces serine 762 with a stop codon.
Molecular consequence: nonsense.
Genome position (GRCh38, 1-based): chr2:24,707,755, C>G. VCF-style: chr2-24707755-C-G. GRCh37 (hg19) VCF-style: chr2-24930624-C-G.
Other names: c.2285C>G, p.Ser762Ter (NM_001362950.1, NM_001362952.1, NM_001362954.1 and 3 more transcripts); short protein forms S762*.
Identifiers: ClinVar variation 3346313 (VCV003346313.1).

ClinVar aggregate classification (germline): Uncertain significance (0 of 4 stars; one submission).

Conditions:
NCOA1-related disorder. Also called: NCOA1-related condition.

Submission:

PreventionGenetics, part of Exact Sciences
Classification: Uncertain significance for NCOA1-related condition. Last evaluated: 2024-05-22. Review status: no assertion criteria provided. Collection method: clinical testing. Allele origin: germline.
Comment: The NCOA1 c.2285C>G variant is predicted to result in premature protein termination (p.Ser762*). To our knowledge, this variant has not been reported in the literature or in a large population database, indicating this variant is rare. At this time, the clinical significance of this variant is uncertain due to the absence of conclusive functional and genetic evidence.